The following is an entry in ClinVar:

NM_000435.3(NOTCH3):c.2039G>A (p.Arg680His)

Gene: NOTCH3 (notch receptor 3; minus strand). Cytogenetic location: 19p13.12.
Variant type: single nucleotide variant.
Coding change: c.2039G>A on transcript NM_000435.3 (MANE Select); coding-DNA position 2039, G replaced by A.
Protein change: p.Arg680His; replaces arginine 680 with histidine.
Molecular consequence: missense variant.
Genome position (GRCh38, 1-based): chr19:15,185,592, C>T on the plus strand (G>A on the coding strand, the complement: NOTCH3 is on the minus strand). VCF-style: chr19-15185592-C-T. GRCh37 (hg19) VCF-style: chr19-15296403-C-T.
Other names: short protein forms R680H.
Identifiers: ClinVar variation 256125 (VCV000256125.32), dbSNP rs10406745, ClinGen allele CA9263459.

ClinVar aggregate classification (germline): Benign/Likely benign. Review status: criteria provided, multiple submitters, no conflicts (2 of 4 stars). 10 submissions from 10 submitters: Benign (8); Likely benign (1). 1 of the submissions does not count toward it. Last evaluated 2026-01-27.

Conditions:
Lateral meningocele syndrome (LMNS). Also called: NOTCH3-Related Lateral Meningocele Syndrome. Identifiers: Orphanet 2789, MedGen C1851710, MONDO:0007537, OMIM 130720.
Cerebral arteriopathy, autosomal dominant, with subcortical infarcts and leukoencephalopathy, type 1 (CADASIL1). Also called: DEMENTIA, HEREDITARY MULTIINFARCT TYPE; CADASIL 1; CASIL; Cerebral arteriopathy with subcortical infarcts and leukoencephalopathy 1. Identifiers: Orphanet 136, MedGen C4551768, MONDO:0000914, OMIM 125310.
Myofibromatosis, infantile, 2. Identifiers: Orphanet 2591, MedGen C3809084, MONDO:0014122, OMIM 615293.
Pulmonary arterial hypertension. Identifiers: Orphanet 182090, MedGen C2973725, MeSH D000081029, MONDO:0015924, HP:0002092.

Allele frequency attached by ClinVar (database versions not stated): gnomAD exomes 0.00364; ExAC 0.00447; gnomAD 0.01423 and 0.01547; 1000 Genomes Project 0.01478; TOPMed 0.01602; 1000 Genomes Project 30x 0.01640; ESP Exome Variant Server 0.01692.
gnomAD v4.1: 4,232 of 1,613,488 alleles (0.26%); highest among the groups gnomAD compares: African/African-American, 5%; 99 homozygotes.

Submissions (10):

Labcorp Genetics (formerly Invitae), Labcorp
Classification: Benign. Last evaluated: 2026-01-27. Review status: criteria provided, single submitter. Criteria: Invitae Variant Classification Sherloc (09022015). Collection method: clinical testing. Allele origin: germline.

Athena Diagnostics
Classification: Benign. Last evaluated: 2025-10-10. Review status: criteria provided, single submitter. Criteria: Athena Diagnostics Criteria. Collection method: clinical testing. Allele origin: unknown.
Comment: The frequency of this variant in the general population is higher than would generally be expected for pathogenic variants in this gene. Computational tools predict this amino acid change may be benign.

ARUP Laboratories, Molecular Genetics and Genomics, ARUP Laboratories
Classification: Benign. Last evaluated: 2025-06-20. Review status: criteria provided, single submitter. Criteria: ARUP Molecular Germline Variant Investigation Process 2024. Collection method: clinical testing. Allele origin: germline.

Mayo Clinic Laboratories, Mayo Clinic
Classification: Benign. Last evaluated: 2024-04-25. Review status: criteria provided, single submitter. Criteria: ACMG Guidelines, 2015. Collection method: clinical testing. Allele origin: germline. Observed: 44 variant alleles.

GeneDx
Classification: Likely benign. Last evaluated: 2022-02-14. Review status: criteria provided, single submitter. Criteria: GeneDx Variant Classification Process June 2021. Collection method: clinical testing. Allele origin: germline. Affected: yes.
Comment: See Variant Classification Assertion Criteria.

Fulgent Genetics
Classification: Benign for Cerebral arteriopathy, autosomal dominant, with subcortical infarcts and leukoencephalopathy, type 1; Lateral meningocele syndrome; Myofibromatosis, infantile, 2. Last evaluated: 2021-11-18. Review status: criteria provided, single submitter. Criteria: ACMG Guidelines, 2015. Collection method: clinical testing. Allele origin: unknown.

Illumina Laboratory Services, Illumina
Classification: Benign for Cerebral arteriopathy, autosomal dominant, with subcortical infarcts and leukoencephalopathy, type 1. Last evaluated: 2018-01-12. Review status: criteria provided, single submitter. Criteria: ICSL Variant Classification Criteria 13 December 2019. Collection method: clinical testing. Allele origin: germline.
Comment: This variant was observed in the ICSL laboratory as part of a predisposition screen in an ostensibly healthy population. It had not been previously curated by ICSL or reported in the Human Gene Mutation Database (HGMD: prior to June 1st, 2018), and was therefore a candidate for classification through an automated scoring system. Utilizing variant allele frequency, disease prevalence and penetrance estimates, and inheritance mode, an automated score was calculated to assess if this variant is too frequent to cause the disease. Based on the score and internal cut-off values, a variant classified as benign is not then subjected to further curation. The score for this variant resulted in a classification of benign for this disease.

Breakthrough Genomics
Classification: Benign. Review status: criteria provided, single submitter. Criteria: ACMG Guidelines, 2015. Collection method: not provided. Allele origin: germline. Inheritance: Autosomal dominant inheritance. Affected: yes.

PreventionGenetics, part of Exact Sciences
Classification: Benign. Review status: criteria provided, single submitter. Criteria: ACMG Guidelines, 2015. Collection method: clinical testing. Allele origin: germline.

John Welsh Cardiovascular Diagnostic Laboratory, Baylor College of Medicine
Classification: Uncertain significance for Pulmonary arterial hypertension. Last evaluated: 2022-09-26. Review status: no assertion criteria provided. Criteria: ACMG Guidelines, 2015. Collection method: clinical testing. Allele origin: germline. Not counted in ClinVar's aggregate classification.

Literature cited by the submitters: PubMed 22159056 (cited by Athena Diagnostics); PubMed 26242991 (cited by Athena Diagnostics).